The following is an entry in ClinVar:

NM_000169.3(GLA):c.1057A>G (p.Met353Val)

Genes: GLA (galactosidase alpha; minus strand), RPL36A-HNRNPH2 (RPL36A-HNRNPH2 readthrough; plus strand). Cytogenetic location: Xq22.1.
Variant type: single nucleotide variant.
Coding change: c.1057A>G on transcript NM_000169.3 (MANE Select); coding-DNA position 1057, A replaced by G.
Protein change: p.Met353Val; replaces methionine 353 with valine.
Molecular consequence: missense variant. On other transcripts: non-coding transcript variant (3), intron variant (2).
Genome position (GRCh38, 1-based): chrX:101,398,042, T>C on the plus strand (A>G on the coding strand, the complement: GLA is on the minus strand). VCF-style: chrX-101398042-T-C. GRCh37 (hg19) VCF-style: chrX-100653030-T-C.
Other names: c.1180A>G, p.Met394Val (NM_001406747.1); c.300+2585T>C (NM_001199973.2); c.177+6220T>C (NM_001199974.2); short protein forms M353V, M394V.
Identifiers: ClinVar variation 1949102 (VCV001949102.3), dbSNP rs1555984838, ClinGen allele CA413921007.

ClinVar aggregate classification (germline): Uncertain significance. Review status: criteria provided, multiple submitters, no conflicts (2 of 4 stars). 2 submissions from 2 submitters: Uncertain significance (2). Last evaluated 2026-09-08.

Conditions:
Fabry disease. Also called: HEREDITARY DYSTOPIC LIPIDOSIS; Angiokeratoma corporis diffusum; Fabry's disease; CERAMIDE TRIHEXOSIDASE DEFICIENCY; ALPHA-GALACTOSIDASE A DEFICIENCY; ANDERSON-FABRY DISEASE. Identifiers: Orphanet 324, MedGen C0002986, MONDO:0010526, OMIM 301500, HP:0001071. Disease mechanism: Fabry disease is due to inactivating mutations in the X-linked GLA gene resulting in deficiency of the enzyme Alpha Galactosidase-A., loss of function.

Submissions (2):

Genomenon, Inc
Classification: Uncertain significance for Fabry disease. Last evaluated: 2026-09-08. Review status: criteria provided, single submitter. Criteria: Genomenon Sequence Variant Interpretation Standards - Updated. Collection method: curation. Allele origin: germline. Affected: no.
Comment: GLA p.Met353Val (c.1057A>G) is a missense variant that changes the amino acid at codon 353 from Methionine to Valine. This variant has been reported in the published literature (PMID:39468034). It is absent or not present at a significant frequency in gnomAD. In silico models predict that this variant is not damaging. In conclusion, we classify GLA p.Met353Val (c.1057A>G) as a variant of uncertain significance.

Labcorp Genetics (formerly Invitae), Labcorp
Classification: Uncertain significance for Fabry disease. Last evaluated: 2022-05-29. Review status: criteria provided, single submitter. Criteria: Invitae Variant Classification Sherloc (09022015). Collection method: clinical testing. Allele origin: germline.
Comment: This sequence change replaces methionine, which is neutral and non-polar, with valine, which is neutral and non-polar, at codon 353 of the GLA protein (p.Met353Val). This variant is present in population databases (no rsID available, gnomAD 0.001%). This variant has not been reported in the literature in individuals affected with GLA-related conditions. Algorithms developed to predict the effect of missense changes on protein structure and function output the following: SIFT: "Tolerated"; PolyPhen-2: "Benign"; Align-GVGD: "Class C0". The valine amino acid residue is found in multiple mammalian species, which suggests that this missense change does not adversely affect protein function. In summary, the available evidence is currently insufficient to determine the role of this variant in disease. Therefore, it has been classified as a Variant of Uncertain Significance.

Literature cited by the submitters: PubMed 39468034 (cited by Genomenon, Inc).